The following is an entry in ClinVar:

NM_001378452.1(ITPR1):c.1972A>G (p.Asn658Asp)

Gene: ITPR1 (inositol 1,4,5-trisphosphate receptor type 1; plus strand). Cytogenetic location: 3p26.1.
Variant type: single nucleotide variant.
Coding change: c.1972A>G on transcript NM_001378452.1 (MANE Select); coding-DNA position 1972, A replaced by G.
Protein change: p.Asn658Asp; replaces asparagine 658 with aspartic acid.
Molecular consequence: missense variant.
Genome position (GRCh38, 1-based): chr3:4,669,739, A>G. VCF-style: chr3-4669739-A-G. GRCh37 (hg19) VCF-style: chr3-4711423-A-G.
Other names: c.1972A>G, p.Asn658Asp (NM_001099952.4); c.1927A>G, p.Asn643Asp (NM_001168272.2, NM_002222.7); short protein forms N658D, N643D.
Identifiers: ClinVar variation 3642678 (VCV003642678.2).

ClinVar aggregate classification (germline): Uncertain significance (1 of 4 stars; one submission).

Submission:

Labcorp Genetics (formerly Invitae), Labcorp
Classification: Uncertain significance. Last evaluated: 2024-04-17. Review status: criteria provided, single submitter. Criteria: Invitae Variant Classification Sherloc (09022015). Collection method: clinical testing. Allele origin: germline.
Comment: This sequence change replaces asparagine, which is neutral and polar, with aspartic acid, which is acidic and polar, at codon 643 of the ITPR1 protein (p.Asn643Asp). This variant is not present in population databases (gnomAD no frequency). This variant has not been reported in the literature in individuals affected with ITPR1-related conditions. Advanced modeling of protein sequence and biophysical properties (such as structural, functional, and spatial information, amino acid conservation, physicochemical variation, residue mobility, and thermodynamic stability) performed at Invitae indicates that this missense variant is not expected to disrupt ITPR1 protein function with a negative predictive value of 95%. In summary, the available evidence is currently insufficient to determine the role of this variant in disease. Therefore, it has been classified as a Variant of Uncertain Significance.